The following is an entry in ClinVar:

NM_001354604.2(MITF):c.1574del (p.Thr525fs)

Gene: MITF (melanocyte inducing transcription factor; plus strand). Cytogenetic location: 3p13.
Variant type: Deletion.
Coding change: c.1574del on transcript NM_001354604.2 (MANE Select); coding-DNA position 1574, one base deleted (C; older notation c.1574delC).
Protein change: p.Thr525fs; shifts the reading frame from threonine 525.
Molecular consequence: frameshift variant.
Genome position (GRCh38, 1-based): chr3:69,965,241, C deleted. VCF-style (leftmost placement, unchanged base first): chr3-69965240-AC-A. GRCh37 (hg19) VCF-style: chr3-70014391-AC-A.
Other names: c.1253del, p.Thr418fs (NM_000248.4); c.1400del, p.Thr467fs (NM_001184967.2, NM_001354608.2); c.1571del, p.Thr524fs (NM_001354605.2); c.1553del, p.Thr518fs (NM_001354606.2, NM_006722.3); c.1505del, p.Thr502fs (NM_001354607.2); c.1235del, p.Thr412fs (NM_198158.3); c.1556del, p.Thr519fs (NM_198159.3); c.1508del, p.Thr503fs (NM_198177.3); and 1 more; short protein forms T356fs, T412fs, T418fs, T467fs, T502fs, T503fs, T518fs, T519fs.
Identifiers: ClinVar variation 3601241 (VCV003601241.1).

ClinVar aggregate classification (germline): Pathogenic (1 of 4 stars; one submission).

Conditions:
Waardenburg syndrome type 2A (WS2A). Also called: WAARDENBURG SYNDROME WITHOUT DYSTOPIA CANTHORUM. Identifiers: Orphanet 3440, MedGen C1860339, MONDO:0008671, OMIM 193510.

Submission:

Institute of Rare Diseases, West China Hospital, Sichuan University
Classification: Pathogenic for Waardenburg syndrome type 2A. Last evaluated: 2025-01-09. Review status: criteria provided, single submitter. Criteria: ClinGen HL ACMG Specifications v1. Collection method: research. Allele origin: germline. Affected: yes.
Comment: PVS1;PP4;PM2_Supporting